The following is an entry in ClinVar:

NM_144508.5(KNL1):c.6872C>T (p.Pro2291Leu)

Gene: KNL1 (kinetochore scaffold 1; plus strand). Cytogenetic location: 15q15.1.
Variant type: single nucleotide variant.
Coding change: c.6872C>T on transcript NM_144508.5 (MANE Select); coding-DNA position 6872, C replaced by T.
Protein change: p.Pro2291Leu; replaces proline 2291 with leucine.
Molecular consequence: missense variant.
Genome position (GRCh38, 1-based): chr15:40,662,109, C>T. VCF-style: chr15-40662109-C-T. GRCh37 (hg19) VCF-style: chr15-40954307-C-T.
Other names: c.6950C>T, p.Pro2317Leu (NM_170589.5); short protein forms P2291L, P2317L.
Identifiers: ClinVar variation 1204492 (VCV001204492.3), dbSNP rs2141773306, ClinGen allele CA391776793.

ClinVar aggregate classification (germline): Likely pathogenic (1 of 4 stars; one submission).

Submission:

GeneDx
Classification: Likely pathogenic. Last evaluated: 2019-06-12. Review status: criteria provided, single submitter. Criteria: GeneDx Variant Classification Process June 2021. Collection method: clinical testing. Allele origin: germline. Affected: yes.
Comment: Not observed in large population cohorts (Lek et al., 2016); In silico analysis, which includes protein predictors and evolutionary conservation, supports a deleterious effect; Has not been previously published as pathogenic or benign to our knowledge